The following is an entry in ClinVar:

NM_000094.4(COL7A1):c.3850G>C (p.Gly1284Arg)

Gene: COL7A1 (collagen type VII alpha 1 chain; minus strand). Cytogenetic location: 3p21.31.
Variant type: single nucleotide variant.
Coding change: c.3850G>C on transcript NM_000094.4 (MANE Select); coding-DNA position 3850, G replaced by C.
Protein change: p.Gly1284Arg; replaces glycine 1284 with arginine.
Molecular consequence: missense variant.
Genome position (GRCh38, 1-based): chr3:48,585,601, C>G on the plus strand (G>C on the coding strand, the complement: COL7A1 is on the minus strand). VCF-style: chr3-48585601-C-G. GRCh37 (hg19) VCF-style: chr3-48623034-C-G.
Other names: short protein forms G1284R.
Identifiers: ClinVar variation 3375254 (VCV003375254.1).

ClinVar aggregate classification (germline): Uncertain significance (1 of 4 stars; one submission).

Submission:

Women's Health and Genetics/Laboratory Corporation of America, LabCorp
Classification: Uncertain significance. Last evaluated: 2024-09-24. Review status: criteria provided, single submitter. Criteria: LabCorp Variant Classification Summary - May 2015. Collection method: clinical testing. Allele origin: germline.
Comment: Variant summary: COL7A1 c.3850G>C (p.Gly1284Arg) results in a non-conservative amino acid change in the encoded protein sequence. Five of five in-silico tools predict a damaging effect of the variant on protein function. The variant was absent in 250700 control chromosomes. The available data on variant occurrences in the general population are insufficient to allow any conclusion about variant significance. To our knowledge, no occurrence of c.3850G>C in individuals affected with Dystrophic Epidermolysis Bullosa, Recessive and no experimental evidence demonstrating its impact on protein function have been reported. No submitters have cited clinical-significance assessments for this variant to ClinVar. Based on the evidence outlined above, the variant was classified as uncertain significance.